The following is an entry in ClinVar:

NM_001378687.1(ATP2C1):c.436_443del (p.Lys146fs)

Gene: ATP2C1 (ATPase secretory pathway Ca2+ transporting 1; plus strand). Cytogenetic location: 3q22.1.
Variant type: Deletion.
Coding change: c.436_443del on transcript NM_001378687.1 (MANE Select); coding-DNA positions 436 to 443, 8 bases deleted (AAATTGGA; older notation c.436_443delAAATTGGA).
Protein change: p.Lys146fs; shifts the reading frame from lysine 146.
Molecular consequence: frameshift variant.
Genome position (GRCh38, 1-based): chr3:130,941,604-130,941,611, AAATTGGA deleted; deleting any 8 consecutive bases within chr3:130,941,601-130,941,611 gives the same sequence; the c. name uses the placement nearest the transcript's 3' end. VCF-style (leftmost placement, unchanged base first): chr3-130941600-AGGAAAATT-A. GRCh37 (hg19) VCF-style: chr3-130660444-AGGAAAATT-A.
Other names: c.436_443del, p.Lys146fs (NM_001001485.3, NM_001001486.2, NM_001001487.2 and 5 more transcripts); c.538_545del, p.Lys180fs (NM_001199180.2, NM_001199181.3, NM_001378511.1); c.421_428del, p.Lys141fs (NM_001199182.2); c.388_395del, p.Lys130fs (NM_001199183.2, NM_001199184.3, NM_001378514.1); short protein forms K141fs, K146fs, K180fs, K130fs.
Identifiers: ClinVar variation 3657108 (VCV003657108.2).

ClinVar aggregate classification (germline): Pathogenic (1 of 4 stars; one submission).

Submission:

Labcorp Genetics (formerly Invitae), Labcorp
Classification: Pathogenic. Last evaluated: 2025-01-06. Review status: criteria provided, single submitter. Criteria: Invitae Variant Classification Sherloc (09022015). Collection method: clinical testing. Allele origin: germline.
Comment: This sequence change creates a premature translational stop signal (p.Lys146Alafs*11) in the ATP2C1 gene. It is expected to result in an absent or disrupted protein product. Loss-of-function variants in ATP2C1 are known to be pathogenic (PMID: 10615129, 10767338, 11841554). This variant is not present in population databases (gnomAD no frequency). This variant has not been reported in the literature in individuals affected with ATP2C1-related conditions. For these reasons, this variant has been classified as Pathogenic.

Literature cited by the submitters: PubMed 10615129; PubMed 10767338; PubMed 11841554.